The following is an entry in ClinVar:

NM_001204.7(BMPR2):c.2432G>A (p.Gly811Asp)

Gene: BMPR2 (bone morphogenetic protein receptor type 2; plus strand). Cytogenetic location: 2q33.2.
Variant type: single nucleotide variant.
Coding change: c.2432G>A on transcript NM_001204.7 (MANE Select); coding-DNA position 2432, G replaced by A.
Protein change: p.Gly811Asp; replaces glycine 811 with aspartic acid.
Molecular consequence: missense variant.
Genome position (GRCh38, 1-based): chr2:202,556,097, G>A. VCF-style: chr2-202556097-G-A. GRCh37 (hg19) VCF-style: chr2-203420820-G-A.
Other names: short protein forms G811D.
Identifiers: ClinVar variation 2154503 (VCV002154503.5), dbSNP rs940829650, ClinGen allele CA64043732.

ClinVar aggregate classification (germline): Conflicting classifications of pathogenicity. Review status: criteria provided, conflicting classifications (1 of 4 stars). 2 submissions from 2 submitters: Uncertain significance (1); Likely benign (1). Last evaluated 2024-11-22.

Conditions:
Inborn genetic diseases. Identifiers: MedGen C0950123, MeSH D030342.
Primary pulmonary hypertension. Also called: Idiopathic pulmonary hypertension. Identifiers: MedGen C0152171.

Allele frequency attached by ClinVar (database versions not stated): gnomAD exomes below 0.00001; TOPMed below 0.00001; gnomAD 0.00001.
gnomAD v4.1: 6 of 1,614,160 alleles (0.00037%); highest among the groups gnomAD compares: Admixed American, 0.0017%; no homozygotes.

Submissions (2):

Ambry Genetics
Classification: Uncertain significance for Inborn genetic diseases. Last evaluated: 2024-11-22. Review status: criteria provided, single submitter. Criteria: Ambry Variant Classification Scheme 2023. Collection method: clinical testing. Allele origin: germline.
Comment: The p.G811D variant (also known as c.2432G>A), located in coding exon 12 of the BMPR2 gene, results from a G to A substitution at nucleotide position 2432. The glycine at codon 811 is replaced by aspartic acid, an amino acid with similar properties. This amino acid position is conserved. In addition, the in silico prediction for this alteration is inconclusive. Based on the available evidence, the clinical significance of this variant remains unclear.

Labcorp Genetics (formerly Invitae), Labcorp
Classification: Likely benign for Primary pulmonary hypertension. Last evaluated: 2024-11-06. Review status: criteria provided, single submitter. Criteria: Invitae Variant Classification Sherloc (09022015). Collection method: clinical testing. Allele origin: germline.